The following is an entry in ClinVar:

ClinVar aggregate classification (germline): Benign/Likely benign. Review status: criteria provided, multiple submitters, no conflicts (2 of 4 stars). 6 submissions from 6 submitters: Benign (3); Likely benign (3). Last evaluated 2025-10-18.

Conditions:
Thrombocytopenia 2 (THC2). Also called: ANKRD26-Related Thrombocytopenia. Identifiers: Orphanet 268322, MedGen C1861185, MONDO:0008555, OMIM 188000.
Inborn genetic diseases. Identifiers: MedGen C0950123, MeSH D030342.

Allele frequency attached by ClinVar (database versions not stated): gnomAD 0.00005 and 0.00010; TOPMed 0.00007; gnomAD exomes 0.00015 and 0.00031; 1000 Genomes Project 30x 0.00031; ExAC 0.00031; 1000 Genomes Project 0.00040.
gnomAD v4.1: 232 of 1,613,632 alleles (0.014%); highest among the groups gnomAD compares: South Asian, 0.18%; 2 homozygotes.

Submissions (6):

Labcorp Genetics (formerly Invitae), Labcorp
Classification: Benign. Last evaluated: 2025-10-18. Review status: criteria provided, single submitter. Criteria: Invitae Variant Classification Sherloc (09022015). Collection method: clinical testing. Allele origin: germline.

Ambry Genetics
Classification: Likely benign for Inborn genetic diseases. Last evaluated: 2024-11-17. Review status: criteria provided, single submitter. Criteria: Ambry Variant Classification Scheme 2023. Collection method: clinical testing. Allele origin: germline.

Blueprint Genetics
Classification: Likely benign. Last evaluated: 2023-11-15. Review status: criteria provided, single submitter. Criteria: ACMG Guidelines, 2015. Collection method: clinical testing. Allele origin: germline.

Genome-Nilou Lab
Classification: Benign for Thrombocytopenia 2. Last evaluated: 2021-12-05. Review status: criteria provided, single submitter. Criteria: ACMG Guidelines, 2015. Collection method: clinical testing. Allele origin: germline. Affected: no.

Genetic Services Laboratory, University of Chicago
Classification: Likely benign. Last evaluated: 2019-05-28. Review status: criteria provided, single submitter. Criteria: ACMG Guidelines, 2015. Collection method: clinical testing. Allele origin: germline. Affected: no.

Illumina Laboratory Services, Illumina
Classification: Benign for Thrombocytopenia 2. Last evaluated: 2018-01-12. Review status: criteria provided, single submitter. Criteria: ICSL Variant Classification Criteria 13 December 2019. Collection method: clinical testing. Allele origin: germline.
Comment: This variant was observed in the ICSL laboratory as part of a predisposition screen in an ostensibly healthy population. It had not been previously curated by ICSL or reported in the Human Gene Mutation Database (HGMD: prior to June 1st, 2018), and was therefore a candidate for classification through an automated scoring system. Utilizing variant allele frequency, disease prevalence and penetrance estimates, and inheritance mode, an automated score was calculated to assess if this variant is too frequent to cause the disease. Based on the score and internal cut-off values, a variant classified as benign is not then subjected to further curation. The score for this variant resulted in a classification of benign for this disease.

NM_014915.3(ANKRD26):c.756G>A (p.Pro252=)

Gene: ANKRD26 (ankyrin repeat domain 26; minus strand). Cytogenetic location: 10p12.1.
Variant type: single nucleotide variant.
Coding change: c.756G>A on transcript NM_014915.3 (MANE Select); coding-DNA position 756, G replaced by A.
Protein change: p.Pro252=; no amino-acid change (proline 252 retained).
Molecular consequence: synonymous variant.
Genome position (GRCh38, 1-based): chr10:27,079,146, C>T on the plus strand (G>A on the coding strand, the complement: ANKRD26 is on the minus strand). VCF-style: chr10-27079146-C-T. GRCh37 (hg19) VCF-style: chr10-27368075-C-T.
Other names: c.756G>A, p.Pro252= (NM_001256053.2).
Identifiers: ClinVar variation 880123 (VCV000880123.13), dbSNP rs201128867, ClinGen allele CA5448795.